The following is an entry in ClinVar:

NM_000429.3(MAT1A):c.98T>A (p.Ile33Asn)

Gene: MAT1A (methionine adenosyltransferase 1A; minus strand). Cytogenetic location: 10q22.3.
Variant type: single nucleotide variant.
Coding change: c.98T>A on transcript NM_000429.3 (MANE Select); coding-DNA position 98, T replaced by A.
Protein change: p.Ile33Asn; replaces isoleucine 33 with asparagine.
Molecular consequence: missense variant.
Genome position (GRCh38, 1-based): chr10:80,285,583, A>T on the plus strand (T>A on the coding strand, the complement: MAT1A is on the minus strand). VCF-style: chr10-80285583-A-T. GRCh37 (hg19) VCF-style: chr10-82045339-A-T.
Other names: short protein forms I33N.
Identifiers: ClinVar variation 529462 (VCV000529462.2), dbSNP rs1554841293, ClinGen allele CA377363839.

ClinVar aggregate classification (germline): Uncertain significance. Review status: criteria provided, multiple submitters, no conflicts (2 of 4 stars). 2 submissions from 2 submitters: Uncertain significance (2). Last evaluated 2022-12-18.

Conditions:
MAT1A-related disorder. Also called: MAT1A-related condition.
Hepatic methionine adenosyltransferase deficiency. Also called: MAT I/III DEFICIENCY; Deficiency of methionine adenosyltransferase; Isolated Persistent Hypermethioninemia; Methionine adenosyltransferase deficiency. Identifiers: Orphanet 168598, MedGen C0268621, MeSH C564683, MONDO:0009607, OMIM 250850.

Allele frequency attached by ClinVar (database versions not stated): TOPMed below 0.00001.

Submissions (2):

PreventionGenetics, part of Exact Sciences
Classification: Uncertain significance for MAT1A-related condition. Last evaluated: 2022-12-18. Review status: criteria provided, single submitter. Criteria: ACMG Guidelines, 2015. Collection method: clinical testing. Allele origin: germline.
Comment: The MAT1A c.98T>A variant is predicted to result in the amino acid substitution p.Ile33Asn. This variant was reported in a study investigating the performance of whole exome sequencing as the primary newborn screen in California. The variant was detected, heterozygous, in one individual who had a positive newborn screen by MS/MS for Hypermethioninemia (Table S5, Adhikari et al. 2020. PubMed ID: 32778825). Although the authors noted that two variants were detected, the identity of the second variant remains unclear. It is also unclear if the individual carrying p.Ile33Asn variant was clinically affected. This variant has not been reported in a large population database, indicating this variant is rare. Although we suspect that this variant may be pathogenic, at this time, the clinical significance of this variant is uncertain due to the absence of conclusive functional and genetic evidence.

Labcorp Genetics (formerly Invitae), Labcorp
Classification: Uncertain significance for Hepatic methionine adenosyltransferase deficiency. Last evaluated: 2017-08-29. Review status: criteria provided, single submitter. Criteria: Invitae Variant Classification Sherloc (09022015). Collection method: clinical testing. Allele origin: germline.
Comment: This sequence change replaces isoleucine with asparagine at codon 33 of the MAT1A protein (p.Ile33Asn). The isoleucine residue is highly conserved and there is a large physicochemical difference between isoleucine and asparagine. This variant is not present in population databases (ExAC no frequency). This variant has not been reported in the literature in individuals with MAT1A-related disease. Algorithms developed to predict the effect of missense changes on protein structure and function (SIFT, PolyPhen-2, Align-GVGD) all suggest that this variant is likely to be disruptive, but these predictions have not been confirmed by published functional studies and their clinical significance is uncertain. In summary, the available evidence is currently insufficient to determine the role of this variant in disease. Therefore, it has been classified as a Variant of Uncertain Significance.